The following is an entry in ClinVar:

ClinVar aggregate classification (germline): Uncertain significance (1 of 4 stars; one submission).

Conditions:
Norman-Roberts syndrome (LIS2). Also called: Lissencephaly 2 (Norman-Roberts type). Identifiers: Orphanet 89844, MedGen C0796089, MONDO:0009760, OMIM 257320.
Familial temporal lobe epilepsy 7. Identifiers: Orphanet 101046, MedGen C4225327, MONDO:0014639, OMIM 616436.

Allele frequency attached by ClinVar (database versions not stated): gnomAD exomes below 0.00001 and 0.00001; gnomAD 0.00001; TOPMed 0.00001.
gnomAD v4.1: 6 of 1,613,982 alleles (0.00037%); highest among the groups gnomAD compares: Admixed American, 0.0033%; no homozygotes.

Submission:

Labcorp Genetics (formerly Invitae), Labcorp
Classification: Uncertain significance for Familial temporal lobe epilepsy 7; Norman-Roberts syndrome. Last evaluated: 2025-01-11. Review status: criteria provided, single submitter. Criteria: Invitae Variant Classification Sherloc (09022015). Collection method: clinical testing. Allele origin: germline.
Comment: This sequence change replaces glycine, which is neutral and non-polar, with aspartic acid, which is acidic and polar, at codon 1979 of the RELN protein (p.Gly1979Asp). This variant is present in population databases (no rsID available, gnomAD 0.006%). This variant has not been reported in the literature in individuals affected with RELN-related conditions. ClinVar contains an entry for this variant (Variation ID: 1400813). Invitae Evidence Modeling of protein sequence and biophysical properties (such as structural, functional, and spatial information, amino acid conservation, physicochemical variation, residue mobility, and thermodynamic stability) indicates that this missense variant is not expected to disrupt RELN protein function with a negative predictive value of 80%. In summary, the available evidence is currently insufficient to determine the role of this variant in disease. Therefore, it has been classified as a Variant of Uncertain Significance.

NM_005045.4(RELN):c.5936G>A (p.Gly1979Asp)

Gene: RELN (reelin; minus strand). Cytogenetic location: 7q22.1.
Variant type: single nucleotide variant.
Coding change: c.5936G>A on transcript NM_005045.4 (MANE Select); coding-DNA position 5936, G replaced by A.
Protein change: p.Gly1979Asp; replaces glycine 1979 with aspartic acid.
Molecular consequence: missense variant.
Genome position (GRCh38, 1-based): chr7:103,553,693, C>T on the plus strand (G>A on the coding strand, the complement: RELN is on the minus strand). VCF-style: chr7-103553693-C-T. GRCh37 (hg19) VCF-style: chr7-103194140-C-T.
Other names: c.5936G>A, p.Gly1979Asp (NM_173054.3); short protein forms G1979D.
Identifiers: ClinVar variation 1400813 (VCV001400813.6), dbSNP rs1383865192, ClinGen allele CA368739650.